The following is an entry in ClinVar:

ClinVar aggregate classification (germline): Benign/Likely benign. Review status: criteria provided, multiple submitters, no conflicts (2 of 4 stars). 7 submissions from 7 submitters: Benign (6); Likely benign (1). Last evaluated 2026-02-02.

Conditions:
Cardiovascular phenotype. Identifiers: MedGen CN230736.
Brittle cornea syndrome 1 (BCS1). Also called: Corneal fragility keratoglobus, blue sclerae AND joint hypermobility; DYSGENESIS MESODERMALIS CORNEAE ET SCLERAE; CORNEAL FRAGILITY, KERATOGLOBUS, BLUE SCLERAE, JOINT HYPEREXTENSIBILITY; EDS6B; FRAGILITAS OCULI WITH JOINT HYPEREXTENSIBILITY. Identifiers: Orphanet 90354, MedGen C0268344, MONDO:0024543, OMIM 229200.

Allele frequency attached by ClinVar (database versions not stated): gnomAD exomes 0.00097; ExAC 0.00179; gnomAD 0.00468; TOPMed 0.00497; 1000 Genomes Project 0.00579; 1000 Genomes Project 30x 0.00609.
gnomAD v4.1: 1,432 of 1,550,196 alleles (0.092%); highest among the groups gnomAD compares: African/African-American, 1.7%; 11 homozygotes.

Submissions (7):

Labcorp Genetics (formerly Invitae), Labcorp
Classification: Benign. Last evaluated: 2026-02-02. Review status: criteria provided, single submitter. Criteria: Invitae Variant Classification Sherloc (09022015). Collection method: clinical testing. Allele origin: germline.

Blueprint Genetics
Classification: Likely benign. Last evaluated: 2024-11-05. Review status: criteria provided, single submitter. Criteria: ACMG Guidelines, 2015. Collection method: clinical testing. Allele origin: germline.

Mayo Clinic Laboratories, Mayo Clinic
Classification: Benign. Last evaluated: 2024-08-01. Review status: criteria provided, single submitter. Criteria: ACMG Guidelines, 2015. Collection method: clinical testing. Allele origin: germline. Observed: 4 variant alleles.
Comment: BS1, BS2, BP4

Genome-Nilou Lab
Classification: Benign for Brittle cornea syndrome 1. Last evaluated: 2021-12-05. Review status: criteria provided, single submitter. Criteria: ACMG Guidelines, 2015. Collection method: clinical testing. Allele origin: germline. Affected: no.

Ambry Genetics
Classification: Benign for Cardiovascular phenotype. Last evaluated: 2019-01-21. Review status: criteria provided, single submitter. Criteria: Ambry Variant Classification Scheme 2023. Collection method: clinical testing. Allele origin: germline.

GeneDx
Classification: Benign. Last evaluated: 2018-10-19. Review status: criteria provided, single submitter. Criteria: GeneDx Variant Classification Process June 2021. Collection method: clinical testing. Allele origin: germline. Affected: yes.

Breakthrough Genomics
Classification: Benign. Review status: criteria provided, single submitter. Criteria: ACMG Guidelines, 2015. Collection method: not provided. Allele origin: germline. Inheritance: Autosomal recessive inheritance. Affected: yes.

NM_001367624.2(ZNF469):c.10855G>A (p.Val3619Met)

Gene: ZNF469 (zinc finger protein 469; plus strand). Cytogenetic location: 16q24.2.
Variant type: single nucleotide variant.
Coding change: c.10855G>A on transcript NM_001367624.2 (MANE Select); coding-DNA position 10855, G replaced by A.
Protein change: p.Val3619Met; replaces valine 3619 with methionine.
Molecular consequence: missense variant.
Genome position (GRCh38, 1-based): chr16:88,438,325, G>A. VCF-style: chr16-88438325-G-A. GRCh37 (hg19) VCF-style: chr16-88504733-G-A.
Other names: NM_001127464.1:c.10771G>A; p.Val3619Met; short protein forms V3619M.
Identifiers: ClinVar variation 392530 (VCV000392530.15), dbSNP rs111494864, ClinGen allele CA8225556.